The following is an entry in ClinVar:

ClinVar aggregate classification (germline): Uncertain significance (1 of 4 stars; one submission).

gnomAD v4.1: 8 of 1,614,188 alleles (0.0005%); highest among the groups gnomAD compares: East Asian, 0.0022%; no homozygotes.

Submission:

Ambry Genetics
Classification: Uncertain significance. Last evaluated: 2026-05-28. Review status: criteria provided, single submitter. Criteria: Ambry Variant Classification Scheme 2023. Collection method: clinical testing. Allele origin: germline.
Comment: The p.K48R variant (also known as c.143A>G), located in coding exon 2 of the CTNNA3 gene, results from an A to G substitution at nucleotide position 143. The lysine at codon 48 is replaced by arginine, an amino acid with highly similar properties. This amino acid position is conserved. In addition, this alteration is predicted to be tolerated by in silico analysis. Based on the available evidence, the clinical significance of this variant remains unclear.

NM_013266.4(CTNNA3):c.143A>G (p.Lys48Arg)

Gene: CTNNA3 (catenin alpha 3; minus strand). Cytogenetic location: 10q21.3.
Variant type: single nucleotide variant.
Coding change: c.143A>G on transcript NM_013266.4 (MANE Select); coding-DNA position 143, A replaced by G.
Protein change: p.Lys48Arg; replaces lysine 48 with arginine.
Molecular consequence: missense variant.
Genome position (GRCh38, 1-based): chr10:67,607,006, T>C on the plus strand (A>G on the coding strand, the complement: CTNNA3 is on the minus strand). VCF-style: chr10-67607006-T-C. GRCh37 (hg19) VCF-style: chr10-69366764-T-C.
Other names: c.143A>G, p.Lys48Arg (NM_001127384.3); c.179A>G, p.Lys60Arg (NM_001291133.2); short protein forms K48R, K60R.
Identifiers: ClinVar variation 4869505 (VCV004869505.1).